The following is an entry in ClinVar:

NM_201253.3(CRB1):c.1181G>A (p.Cys394Tyr)

Gene: CRB1 (crumbs cell polarity complex component 1; plus strand). Cytogenetic location: 1q31.3.
Variant type: single nucleotide variant.
Coding change: c.1181G>A on transcript NM_201253.3 (MANE Select); coding-DNA position 1181, G replaced by A.
Protein change: p.Cys394Tyr; replaces cysteine 394 with tyrosine.
Molecular consequence: missense variant. On other transcripts: non-coding transcript variant (2).
Genome position (GRCh38, 1-based): chr1:197,421,009, G>A. VCF-style: chr1-197421009-G-A. GRCh37 (hg19) VCF-style: chr1-197390139-G-A.
Other names: c.845G>A, p.Cys282Tyr (NM_001193640.2); c.974G>A, p.Cys325Tyr (NM_001257965.2); c.1181G>A, p.Cys394Tyr (NM_001257966.2); short protein forms C394Y, C282Y, C325Y.
Identifiers: ClinVar variation 866205 (VCV000866205.3), dbSNP rs1664277152, ClinGen allele CA344028001.

ClinVar aggregate classification (germline): Conflicting classifications of pathogenicity. Review status: criteria provided, conflicting classifications (1 of 4 stars). 2 submissions from 2 submitters: Likely pathogenic (1); Uncertain significance (1). Last evaluated 2024-12-13.

Conditions:
Leber congenital amaurosis 8 (LCA8). Identifiers: Orphanet 65, MedGen C3151202, MONDO:0013453, OMIM 613835.

Submissions (2):

3billion
Classification: Likely pathogenic for Leber congenital amaurosis 8. Last evaluated: 2024-12-13. Review status: criteria provided, single submitter. Criteria: ACMG Guidelines, 2015. Collection method: clinical testing. Allele origin: germline. Affected: yes.
Comment: The variant is not observed in the gnomAD v4.1.0 dataset. Predicted Consequence/Location: Missense variant In silico tool predictions suggest damaging effect of the variant on gene or gene product [REVEL: 0.92 (>=0.6, sensitivity 0.68 and specificity 0.92); 3Cnet: 0.93 (>=0.6, sensitivity 0.72 and precision 0.9)]. Different missense changes at the same codon (p.Cys394Arg, p.Cys394Phe) have been reported as pathogenic/likely pathogenic with strong evidence (ClinVar ID: VCV000190990, VCV002106148 /PMID: 24265693). Therefore, this variant is classified as Likely pathogenic according to the recommendation of ACMG/AMP guideline.

Blueprint Genetics
Classification: Uncertain significance. Last evaluated: 2018-10-18. Review status: criteria provided, single submitter. Criteria: ACMG Guidelines, 2015. Collection method: clinical testing. Allele origin: germline.

Literature cited by the submitters: PubMed 24265693 (cited by 3billion).